The following is an entry in ClinVar:

ClinVar aggregate classification (germline): Uncertain significance (1 of 4 stars; one submission).

Conditions:
Neuroblastoma, susceptibility to, 3. Also called: ALK-Related Neuroblastic Tumor Susceptibility. Identifiers: Orphanet 635, MedGen C2751681, MONDO:0013083, OMIM 613014.

Submission:

Labcorp Genetics (formerly Invitae), Labcorp
Classification: Uncertain significance for Neuroblastoma, susceptibility to, 3. Last evaluated: 2023-02-22. Review status: criteria provided, single submitter. Criteria: Invitae Variant Classification Sherloc (09022015). Collection method: clinical testing. Allele origin: germline.
Comment: In summary, the available evidence is currently insufficient to determine the role of this variant in disease. Therefore, it has been classified as a Variant of Uncertain Significance. An algorithm developed to predict the effect of missense changes on protein structure and function (PolyPhen-2) suggests that this variant is likely to be disruptive. This variant has not been reported in the literature in individuals affected with ALK-related conditions. This variant is not present in population databases (gnomAD no frequency). This sequence change replaces proline, which is neutral and non-polar, with arginine, which is basic and polar, at codon 1144 of the ALK protein (p.Pro1144Arg).

NM_004304.5(ALK):c.3431C>G (p.Pro1144Arg)

Gene: ALK (ALK receptor tyrosine kinase; minus strand). Cytogenetic location: 2p23.2.
Variant type: single nucleotide variant.
Coding change: c.3431C>G on transcript NM_004304.5 (MANE Select); coding-DNA position 3431, C replaced by G.
Protein change: p.Pro1144Arg; replaces proline 1144 with arginine.
Molecular consequence: missense variant.
Genome position (GRCh38, 1-based): chr2:29,222,536, G>C on the plus strand (C>G on the coding strand, the complement: ALK is on the minus strand). VCF-style: chr2-29222536-G-C. GRCh37 (hg19) VCF-style: chr2-29445402-G-C.
Other names: c.227C>G, p.Pro76Arg (NM_001353765.2); short protein forms P1144R, P76R.
Identifiers: ClinVar variation 2840079 (VCV002840079.3), dbSNP rs1669833250, ClinGen allele CA346463670.